The following is an entry in ClinVar:

NM_000448.3(RAG1):c.*2530G>T

Gene: RAG1 (recombination activating 1; plus strand). Cytogenetic location: 11p12.
Variant type: single nucleotide variant.
Coding change: c.*2530G>T on transcript NM_000448.3 (MANE Select); 2530 bases downstream of the stop codon, G replaced by T.
Molecular consequence: 3 prime UTR variant.
Genome position (GRCh38, 1-based): chr11:36,578,966, G>T. VCF-style: chr11-36578966-G-T. GRCh37 (hg19) VCF-style: chr11-36600516-G-T.
Other names: NC_000011.9:g.36600516G>T; c.*2530G>T (NM_001377277.1, NM_001377278.1, NM_001377279.1 and 1 more transcripts).
Identifiers: ClinVar variation 304533 (VCV000304533.6), dbSNP rs4151047, ClinGen allele CA10634808.

ClinVar aggregate classification (germline): Benign. Review status: criteria provided, single submitter (1 of 4 stars). 2 submissions from 1 submitter: Benign (2). Last evaluated 2018-01-13.

Conditions:
Severe combined immunodeficiency, autosomal recessive, T cell-negative, B cell-negative, NK cell-positive. Also called: SCID, T CELL-NEGATIVE, B CELL-NEGATIVE, NK CELL-POSITIVE; Severe combined immunodeficiency due to complete RAG1/2 deficiency; SCID, AR, T-cell negative, B-cell negative, NK cell-positive. Identifiers: Orphanet 331206, MedGen C1832322, MONDO:0011086, OMIM 601457.
Histiocytic medullary reticulosis. Also called: SEVERE COMBINED IMMUNODEFICIENCY WITH HYPEREOSINOPHILIA; Omenn syndrome. Identifiers: Orphanet 39041, MedGen C2700553, MONDO:0011338, OMIM 603554.

Allele frequency attached by ClinVar (database versions not stated): gnomAD exomes 0.00007; gnomAD 0.02241 and 0.02426; 1000 Genomes Project 0.02296; 1000 Genomes Project 30x 0.02436; TOPMed 0.02501.
gnomAD v4.1: 3,374 of 167,172 alleles (2%); highest among the groups gnomAD compares: African/African-American, 7.6%; 125 homozygotes.

Submissions (7):

Illumina Laboratory Services, Illumina
Classification: Benign for Histiocytic medullary reticulosis. Last evaluated: 2018-01-13. Review status: criteria provided, single submitter. Criteria: ICSL Variant Classification Criteria 13 December 2019. Collection method: clinical testing. Allele origin: germline.
Comment: This variant was observed in the ICSL laboratory as part of a predisposition screen in an ostensibly healthy population. It had not been previously curated by ICSL or reported in the Human Gene Mutation Database (HGMD: prior to June 1st, 2018), and was therefore a candidate for classification through an automated scoring system. Utilizing variant allele frequency, disease prevalence and penetrance estimates, and inheritance mode, an automated score was calculated to assess if this variant is too frequent to cause the disease. Based on the score and internal cut-off values, a variant classified as benign is not then subjected to further curation. The score for this variant resulted in a classification of benign for this disease.

Illumina Laboratory Services, Illumina
Classification: Benign for Severe combined immunodeficiency, autosomal recessive, T cell-negative, B cell-negative, NK cell-positive. Last evaluated: 2018-01-13. Review status: criteria provided, single submitter. Criteria: ICSL Variant Classification Criteria 13 December 2019. Collection method: clinical testing. Allele origin: germline.
Comment: the same text as in the submission from Illumina Laboratory Services, Illumina above.

Dr. Peter K. Rogan Lab, Western University
No classification provided (evidence only). Condition: Acute myeloid leukemia. Review status: no classification provided. Collection method: in vitro. Allele origin: not applicable. Functional consequence: retained intron. Not counted in ClinVar's aggregate classification.

Dr. Peter K. Rogan Lab, Western University
No classification provided (evidence only). Condition: Uterine corpus endometrial carcinoma. Review status: no classification provided. Collection method: in vitro. Allele origin: not applicable. Functional consequence: retained intron. Not counted in ClinVar's aggregate classification.

Dr. Peter K. Rogan Lab, Western University
No classification provided (evidence only). Condition: Uterine corpus endometrial carcinoma. Review status: no classification provided. Collection method: in vitro. Allele origin: not applicable. Functional consequence: retained intron. Not counted in ClinVar's aggregate classification.

Dr. Peter K. Rogan Lab, Western University
No classification provided (evidence only). Condition: Sarcoma. Review status: no classification provided. Collection method: in vitro. Allele origin: not applicable. Functional consequence: retained intron. Not counted in ClinVar's aggregate classification.

Dr. Peter K. Rogan Lab, Western University
No classification provided (evidence only). Condition: Adrenocortical carcinoma, hereditary. Review status: no classification provided. Collection method: in vitro. Allele origin: not applicable. Functional consequence: retained intron. Not counted in ClinVar's aggregate classification.